The following is an entry in ClinVar:

ClinVar aggregate classification (germline): Uncertain significance (1 of 4 stars; one submission).

Conditions:
Glycogen storage disease IXd (GSD9D). Also called: Muscle Phosphorylase Kinase Deficiency; GSD IXd. Identifiers: Orphanet 715, MedGen C1845151, MONDO:0010362, OMIM 300559.

Submission:

Labcorp Genetics (formerly Invitae), Labcorp
Classification: Uncertain significance for Glycogen storage disease IXd. Last evaluated: 2025-09-23. Review status: criteria provided, single submitter. Criteria: Invitae Variant Classification Sherloc (09022015). Collection method: clinical testing. Allele origin: germline.
Comment: This sequence change replaces arginine, which is basic and polar, with lysine, which is basic and polar, at codon 807 of the PHKA1 protein (p.Arg807Lys). This variant is present in population databases (rs781916276, gnomAD 0.001%). This variant has not been reported in the literature in individuals affected with PHKA1-related conditions. Invitae Evidence Modeling of protein sequence and biophysical properties (such as structural, functional, and spatial information, amino acid conservation, physicochemical variation, residue mobility, and thermodynamic stability) indicates that this missense variant is not expected to disrupt PHKA1 protein function with a negative predictive value of 80%. In summary, the available evidence is currently insufficient to determine the role of this variant in disease. Therefore, it has been classified as a Variant of Uncertain Significance.

NM_002637.4(PHKA1):c.2420G>A (p.Arg807Lys)

Gene: PHKA1 (phosphorylase kinase regulatory subunit alpha 1; minus strand). Cytogenetic location: Xq13.1.
Variant type: single nucleotide variant.
Coding change: c.2420G>A on transcript NM_002637.4 (MANE Select); coding-DNA position 2420, G replaced by A.
Protein change: p.Arg807Lys; replaces arginine 807 with lysine.
Molecular consequence: missense variant.
Genome position (GRCh38, 1-based): chrX:72,611,134, C>T on the plus strand (G>A on the coding strand, the complement: PHKA1 is on the minus strand). VCF-style: chrX-72611134-C-T. GRCh37 (hg19) VCF-style: chrX-71830984-C-T.
Other names: c.2420G>A, p.Arg807Lys (NM_001122670.2, NM_001431068.1, NM_001440787.1); c.2243G>A, p.Arg748Lys (NM_001172436.2, NM_001440788.1); short protein forms R748K, R807K.
Identifiers: ClinVar variation 4698699 (VCV004698699.1).